The following is an entry in ClinVar:

ClinVar aggregate classification (germline): Uncertain significance (1 of 4 stars; one submission).

Conditions:
Cohen syndrome (COH1). Also called: Cutis verticis gyrata, retinitis pigmentosa, and sensorineural deafness; PEPPER SYNDROME. Identifiers: Orphanet 193, MedGen C0265223, MONDO:0008999, OMIM 216550.

Submission:

Labcorp Genetics (formerly Invitae), Labcorp
Classification: Uncertain significance for Cohen syndrome. Last evaluated: 2022-02-22. Review status: criteria provided, single submitter. Criteria: Invitae Variant Classification Sherloc (09022015). Collection method: clinical testing. Allele origin: germline.
Comment: Algorithms developed to predict the effect of missense changes on protein structure and function are either unavailable or do not agree on the potential impact of this missense change (SIFT: "Not Available"; PolyPhen-2: "Possibly Damaging"; Align-GVGD: "Not Available"). In summary, the available evidence is currently insufficient to determine the role of this variant in disease. Therefore, it has been classified as a Variant of Uncertain Significance. This variant has not been reported in the literature in individuals affected with VPS13B-related conditions. This variant is not present in population databases (gnomAD no frequency). This sequence change replaces threonine, which is neutral and polar, with lysine, which is basic and polar, at codon 543 of the VPS13B protein (p.Thr543Lys).

NM_152564.5(VPS13B):c.1628C>A (p.Thr543Lys)

Gene: VPS13B (vacuolar protein sorting 13 homolog B; plus strand). Cytogenetic location: 8q22.2.
Variant type: single nucleotide variant.
Coding change: c.1628C>A on transcript NM_152564.5 (MANE Select); coding-DNA position 1628, C replaced by A.
Protein change: p.Thr543Lys; replaces threonine 543 with lysine.
Molecular consequence: missense variant.
Genome position (GRCh38, 1-based): chr8:99,136,729, C>A. VCF-style: chr8-99136729-C-A. GRCh37 (hg19) VCF-style: chr8-100148957-C-A.
Other names: c.1628C>A, p.Thr543Lys (NM_015243.3, NM_017890.5); short protein forms T543K.
Identifiers: ClinVar variation 2101947 (VCV002101947.4), dbSNP rs2488766185, ClinGen allele CA371863552.
Genomic context (GRCh38, chr8:99,136,729, plus strand): 5'-CATACACTGAGATAGCTGGAATGCAACGGTTTGGGGCTTTTTATATGGATTACCTGTATA[C>A]AATGGAGAACACTAGTGGCAAAGGTATTGGCTTCTTTCCTTTATGTGTGCCATTTCTTGA-3'
Protein context (NP_689777.3, residues 533-553): FGAFYMDYLY[Thr543Lys]MENTSGKGST